The following is an entry in ClinVar:

ClinVar aggregate classification (germline): Benign (1 of 4 stars; one submission).

Conditions:
Quebec platelet disorder (QPD). Also called: FACTOR V QUEBEC; BLEEDING DISORDER, PLATELET-TYPE, 5. Identifiers: Orphanet 220436, MedGen C1866423, MONDO:0011136, OMIM 601709.

Allele frequency attached by ClinVar (database versions not stated): gnomAD exomes 0.00002 and 0.00009; gnomAD 0.00004 and 0.00005; 1000 Genomes Project 30x 0.00031; 1000 Genomes Project 0.00040; TOPMed 0.00011; ExAC 0.00007.
gnomAD v4.1: 77 of 1,441,482 alleles (0.0053%); highest among the groups gnomAD compares: East Asian, 0.062%; 2 homozygotes.

Submission:

Illumina Laboratory Services, Illumina
Classification: Benign for Quebec platelet disorder. Last evaluated: 2018-01-12. Review status: criteria provided, single submitter. Criteria: ICSL Variant Classification Criteria 13 December 2019. Collection method: clinical testing. Allele origin: germline.
Comment: This variant was observed in the ICSL laboratory as part of a predisposition screen in an ostensibly healthy population. It had not been previously curated by ICSL or reported in the Human Gene Mutation Database (HGMD: prior to June 1st, 2018), and was therefore a candidate for classification through an automated scoring system. Utilizing variant allele frequency, disease prevalence and penetrance estimates, and inheritance mode, an automated score was calculated to assess if this variant is too frequent to cause the disease. Based on the score and internal cut-off values, a variant classified as benign is not then subjected to further curation. The score for this variant resulted in a classification of benign for this disease.

NM_002658.6(PLAU):c.*52T>A

Genes: C10orf55 (chromosome 10 putative open reading frame 55; minus strand), PLAU (plasminogen activator, urokinase; plus strand). Cytogenetic location: 10q22.2.
Variant type: single nucleotide variant.
Coding change: c.*52T>A on transcript NM_002658.6 (MANE Select); 52 bases downstream of the stop codon, T replaced by A.
Molecular consequence: 3 prime UTR variant. On other transcripts: non-coding transcript variant (2).
Genome position (GRCh38, 1-based): chr10:73,916,617, T>A. VCF-style: chr10-73916617-T-A. GRCh37 (hg19) VCF-style: chr10-75676375-T-A.
Other names: c.*52T>A (NM_001145031.3, NM_001319191.2).
Identifiers: ClinVar variation 300763 (VCV000300763.5), dbSNP rs560674195, ClinGen allele CA5562685.